The following is an entry in ClinVar:

ClinVar aggregate classification (germline): Uncertain significance. Review status: criteria provided, multiple submitters, no conflicts (2 of 4 stars). 3 submissions from 3 submitters: Uncertain significance (3). Last evaluated 2025-01-09.

Conditions:
Hereditary cancer-predisposing syndrome. Also called: Tumor predisposition; Hereditary neoplastic syndrome; Neoplastic Syndromes, Hereditary; Hereditary Cancer Syndrome. Identifiers: Orphanet 140162, MedGen C0027672, MeSH D009386, MONDO:0015356.
Familial adenomatous polyposis 1 (FAP1). Also called: FAMILIAL ADENOMATOUS POLYPOSIS 1, ATTENUATED; POLYPOSIS, ADENOMATOUS INTESTINAL. Identifiers: MedGen C2713442, MONDO:0021056, OMIM 175100. Disease mechanism: loss of function.

gnomAD v4.1: 1 of 1,610,916 alleles (0.000062%); highest among the groups gnomAD compares: Non-Finnish European, 0.000085%; no homozygotes.

Submissions (3):

Quest Diagnostics Nichols Institute San Juan Capistrano
Classification: Uncertain significance. Last evaluated: 2025-01-09. Review status: criteria provided, single submitter. Criteria: Quest Diagnostics criteria. Collection method: clinical testing. Allele origin: unknown.
Comment: The APC c.6490G>T (p.Gly2164Cys) variant has not been reported in individuals with APC-related conditions in the published literature. It also has not been reported in large, multi-ethnic general populations (Genome Aggregation Database). Analysis of this variant using bioinformatics tools for the prediction of the effect of amino acid changes on protein structure and function yielded predictions that this variant is damaging. Based on the available information, we are unable to determine the clinical significance of this variant.

Labcorp Genetics (formerly Invitae), Labcorp
Classification: Uncertain significance for Familial adenomatous polyposis 1. Last evaluated: 2024-09-25. Review status: criteria provided, single submitter. Criteria: Invitae Variant Classification Sherloc (09022015). Collection method: clinical testing. Allele origin: germline.
Comment: This sequence change replaces glycine, which is neutral and non-polar, with cysteine, which is neutral and slightly polar, at codon 2164 of the APC protein (p.Gly2164Cys). This variant is not present in population databases (gnomAD no frequency). This variant has not been reported in the literature in individuals affected with APC-related conditions. ClinVar contains an entry for this variant (Variation ID: 1361307). Invitae Evidence Modeling of protein sequence and biophysical properties (such as structural, functional, and spatial information, amino acid conservation, physicochemical variation, residue mobility, and thermodynamic stability) indicates that this missense variant is not expected to disrupt APC protein function with a negative predictive value of 95%. In summary, the available evidence is currently insufficient to determine the role of this variant in disease. Therefore, it has been classified as a Variant of Uncertain Significance.

Ambry Genetics
Classification: Uncertain significance for Hereditary cancer-predisposing syndrome. Last evaluated: 2024-07-26. Review status: criteria provided, single submitter. Criteria: Ambry Variant Classification Scheme 2023. Collection method: clinical testing. Allele origin: germline.
Comment: The p.G2164C variant (also known as c.6490G>T), located in coding exon 15 of the APC gene, results from a G to T substitution at nucleotide position 6490. The glycine at codon 2164 is replaced by cysteine, an amino acid with highly dissimilar properties. This amino acid position is highly conserved in available vertebrate species. In addition, in silico predictors for this gene do not accurately predict pathogenicity. Missense alterations in APC are not a common cause of disease (Spier I et al. Genet Med. 2024 Feb;26(2):100992). Based on the available evidence, the clinical significance of this variant remains unclear.

NM_000038.6(APC):c.6490G>T (p.Gly2164Cys)

Gene: APC (APC regulator of Wnt signaling pathway; plus strand). Cytogenetic location: 5q22.2.
Variant type: single nucleotide variant.
Coding change: c.6490G>T on transcript NM_000038.6 (MANE Select); coding-DNA position 6490, G replaced by T.
Protein change: p.Gly2164Cys; replaces glycine 2164 with cysteine.
Molecular consequence: missense variant.
Genome position (GRCh38, 1-based): chr5:112,842,084, G>T. VCF-style: chr5-112842084-G-T. GRCh37 (hg19) VCF-style: chr5-112177781-G-T.
Other names: c.6490G>T, p.Gly2164Cys (NM_001127510.3, NM_001354895.2); c.6436G>T, p.Gly2146Cys (NM_001127511.3); c.6544G>T, p.Gly2182Cys (NM_001354896.2); c.6520G>T, p.Gly2174Cys (NM_001354897.2); c.6415G>T, p.Gly2139Cys (NM_001354898.2); c.6406G>T, p.Gly2136Cys (NM_001354899.2); c.6367G>T, p.Gly2123Cys (NM_001354900.2); c.6313G>T, p.Gly2105Cys (NM_001354901.2); and 5 more; short protein forms G2073C, G2136C, G2164C, G2004C, G2038C, G1881C, G2063C, G2174C.
Identifiers: ClinVar variation 1361307 (VCV001361307.12), dbSNP rs2149966062, ClinGen allele CA16035538.